The following is an entry in ClinVar:

ClinVar aggregate classification (germline): Conflicting classifications of pathogenicity. Review status: criteria provided, conflicting classifications (1 of 4 stars). 3 submissions from 3 submitters: Uncertain significance (1); Likely benign (1). 1 of the submissions does not count toward it. Last evaluated 2025-12-14.

Conditions:
PCNT-related disorder. Also called: PCNT-related condition.

Allele frequency attached by ClinVar (database versions not stated): gnomAD 0.00003; TOPMed 0.00003.
gnomAD v4.1: 40 of 1,581,682 alleles (0.0025%); highest among the groups gnomAD compares: East Asian, 0.0067%; no homozygotes.

Submissions (3):

Labcorp Genetics (formerly Invitae), Labcorp
Classification: Likely benign. Last evaluated: 2025-12-14. Review status: criteria provided, single submitter. Criteria: Invitae Variant Classification Sherloc (09022015). Collection method: clinical testing. Allele origin: germline.

Genetic Services Laboratory, University of Chicago
Classification: Uncertain significance. Last evaluated: 2014-12-04. Review status: criteria provided, single submitter. Criteria: ACMG Guidelines, 2015. Collection method: clinical testing. Allele origin: germline.

PreventionGenetics, part of Exact Sciences
Classification: Likely benign for PCNT-related condition. Last evaluated: 2022-01-31. Review status: no assertion criteria provided. Collection method: clinical testing. Allele origin: germline. Not counted in ClinVar's aggregate classification.
Comment: This variant is classified as likely benign based on ACMG/AMP sequence variant interpretation guidelines (Richards et al. 2015 PMID: 25741868, with internal and published modifications).

NM_006031.6(PCNT):c.2154+8G>A

Gene: PCNT (pericentrin; plus strand). Cytogenetic location: 21q22.3.
Variant type: single nucleotide variant.
Coding change: c.2154+8G>A on transcript NM_006031.6 (MANE Select); 8 bases into the intron after coding-DNA position 2154, G replaced by A.
Molecular consequence: intron variant.
Genome position (GRCh38, 1-based): chr21:46,357,199, G>A. VCF-style: chr21-46357199-G-A. GRCh37 (hg19) VCF-style: chr21-47777114-G-A.
Other names: c.1800+8G>A (NM_001315529.2).
Identifiers: ClinVar variation 211847 (VCV000211847.11), dbSNP rs778407564, ClinGen allele CA208111.
Genomic context (GRCh38, chr21:46,357,199, plus strand): 5'-ATTTGTATGGGAAGTTGCAGCATGAAACTCGTCTGAAGGACGATTTGGAGAAGGTGAGTC[G>A]TGACTCCACAGCCCAGCGCCTCCCGCCCGAGTCCTTGCTCTCTTCCACCTGGAAGGCTTG-3'